The following is an entry in ClinVar:

ClinVar aggregate classification (germline): Conflicting classifications of pathogenicity. Review status: criteria provided, conflicting classifications (1 of 4 stars). 3 submissions from 3 submitters: Uncertain significance (1); Likely benign (2). Last evaluated 2025-10-23.

Conditions:
PCNT-related disorder. Also called: PCNT-related condition.
Microcephalic osteodysplastic primordial dwarfism type II (MOPD2). Also called: OSTEODYSPLASTIC PRIMORDIAL DWARFISM, TYPE II; Microcephalic osteodysplastic primordial dwarfism with tooth abnormalities; MOPD II. Identifiers: Orphanet 2637, MedGen C0432246, MONDO:0008872, OMIM 210720.

Allele frequency attached by ClinVar (database versions not stated): gnomAD 0.00003; ExAC 0.00006; TOPMed 0.00006; gnomAD exomes 0.00009; 1000 Genomes Project 30x 0.00016; 1000 Genomes Project 0.00020.
gnomAD v4.1: 54 of 1,611,952 alleles (0.0033%); highest among the groups gnomAD compares: East Asian, 0.033%; 1 homozygote.

Submissions (3):

Labcorp Genetics (formerly Invitae), Labcorp
Classification: Likely benign. Last evaluated: 2025-10-23. Review status: criteria provided, single submitter. Criteria: Invitae Variant Classification Sherloc (09022015). Collection method: clinical testing. Allele origin: germline.

PreventionGenetics, part of Exact Sciences
Classification: Likely benign for PCNT-related condition. Last evaluated: 2025-01-17. Review status: criteria provided, single submitter. Criteria: ACMG Guidelines, 2015. Collection method: clinical testing. Allele origin: germline.
Comment: This variant is classified as likely benign based on ACMG/AMP sequence variant interpretation guidelines (Richards et al. 2015 PMID: 25741868, with internal and published modifications).

Illumina Laboratory Services, Illumina
Classification: Uncertain significance for Microcephalic osteodysplastic primordial dwarfism type II. Last evaluated: 2018-01-13. Review status: criteria provided, single submitter. Criteria: ICSL Variant Classification Criteria 13 December 2019. Collection method: clinical testing. Allele origin: germline.

NM_006031.6(PCNT):c.6648C>T (p.Val2216=)

Gene: PCNT (pericentrin; plus strand). Cytogenetic location: 21q22.3.
Variant type: single nucleotide variant.
Coding change: c.6648C>T on transcript NM_006031.6 (MANE Select); coding-DNA position 6648, C replaced by T.
Protein change: p.Val2216=; no amino-acid change (valine 2216 retained).
Molecular consequence: synonymous variant.
Genome position (GRCh38, 1-based): chr21:46,416,566, C>T. VCF-style: chr21-46416566-C-T. GRCh37 (hg19) VCF-style: chr21-47836480-C-T.
Other names: c.6294C>T, p.Val2098= (NM_001315529.2).
Identifiers: ClinVar variation 340520 (VCV000340520.13), dbSNP rs527590016, ClinGen allele CA10080375.